The following is an entry in ClinVar:

NM_000124.4(ERCC6):c.2383-1G>T

Gene: ERCC6 (ERCC excision repair 6, chromatin remodeling factor; minus strand). Cytogenetic location: 10q11.23.
Variant type: single nucleotide variant.
Coding change: c.2383-1G>T on transcript NM_000124.4 (MANE Select); the canonical splice acceptor site of the intron before coding-DNA position 2383, G replaced by T.
Molecular consequence: splice acceptor variant.
Genome position (GRCh38, 1-based): chr10:49,474,243, C>A on the plus strand (G>T on the coding strand, the complement: ERCC6 is on the minus strand). VCF-style: chr10-49474243-C-A. GRCh37 (hg19) VCF-style: chr10-50682289-C-A.
Other names: c.2383-1G>T (NM_001346440.2).
Identifiers: ClinVar variation 1490308 (VCV001490308.8), dbSNP rs1554787554, ClinGen allele CA376721938.

ClinVar aggregate classification (germline): Likely pathogenic (1 of 4 stars; one submission).

Allele frequency attached by ClinVar (database versions not stated): gnomAD exomes below 0.00001.
gnomAD v4.1: 2 of 1,612,864 alleles (0.00012%); highest among the groups gnomAD compares: Non-Finnish European, 0.00017%; no homozygotes.

Submission:

Labcorp Genetics (formerly Invitae), Labcorp
Classification: Likely pathogenic. Last evaluated: 2021-04-28. Review status: criteria provided, single submitter. Criteria: Invitae Variant Classification Sherloc (09022015). Collection method: clinical testing. Allele origin: germline.
Comment: This variant has not been reported in the literature in individuals with ERCC6-related conditions. This variant is not present in population databases (ExAC no frequency). This sequence change affects an acceptor splice site in intron 12 of the ERCC6 gene. It is expected to disrupt RNA splicing. Variants that disrupt the donor or acceptor splice site typically lead to a loss of protein function (PMID: 16199547), and loss-of-function variants in ERCC6 are known to be pathogenic (PMID: 18628313, 29572252). Algorithms developed to predict the effect of sequence changes on RNA splicing suggest that this variant may disrupt the consensus splice site, but this prediction has not been confirmed by published transcriptional studies. In summary, the currently available evidence indicates that the variant is pathogenic, but additional data are needed to prove that conclusively. Therefore, this variant has been classified as Likely Pathogenic.

Literature cited by the submitters: PubMed 16199547; PubMed 18628313; PubMed 29572252.